The following is an entry in ClinVar:

ClinVar aggregate classification (germline): Likely benign (0 of 4 stars; one submission).

Conditions:
BLTP1-related disorder. Also called: BLTP1-related condition.

gnomAD v4.1: 1 of 1,593,706 alleles (0.000063%); highest among the groups gnomAD compares: South Asian, 0.0012%; no homozygotes.

Submission:

PreventionGenetics, part of Exact Sciences
Classification: Likely benign for BLTP1-related condition. Last evaluated: 2024-08-07. Review status: no assertion criteria provided. Collection method: clinical testing. Allele origin: germline.
Comment: This variant is classified as likely benign based on ACMG/AMP sequence variant interpretation guidelines (Richards et al. 2015 PMID: 25741868, with internal and published modifications).

NM_001384125.1(BLTP1):c.7317+5G>A

Gene: BLTP1 (bridge-like lipid transfer protein family member 1; plus strand). Cytogenetic location: 4q27.
Variant type: single nucleotide variant.
Coding change: c.7317+5G>A on transcript NM_001384125.1 (MANE Select); 5 bases into the intron after coding-DNA position 7317, G replaced by A.
Molecular consequence: intron variant.
Genome position (GRCh38, 1-based): chr4:122,264,432, G>A. VCF-style: chr4-122264432-G-A. GRCh37 (hg19) VCF-style: chr4-123185587-G-A.
Other names: c.7317+5G>A (NM_015312.4).
Identifiers: ClinVar variation 3348645 (VCV003348645.1).